The following is an entry in ClinVar:

ClinVar aggregate classification (germline): Pathogenic. Review status: criteria provided, multiple submitters, no conflicts (2 of 4 stars). 2 submissions from 2 submitters: Pathogenic (2). Last evaluated 2023-08-11.

Conditions:
Lynch syndrome 5 (LYNCH5). Also called: Colorectal cancer, hereditary nonpolyposis, type 5; Hereditary non-polyposis colorectal cancer, type 5. Identifiers: Orphanet 144, MedGen C1833477, MONDO:0013710, OMIM 614350. Disease mechanism: loss of function.
Hereditary nonpolyposis colorectal neoplasms. Identifiers: MedGen C0009405, MeSH D003123.

Submissions (2):

Myriad Genetics, Inc.
Classification: Pathogenic for Lynch syndrome 5. Last evaluated: 2023-08-11. Review status: criteria provided, single submitter. Criteria: Myriad Autosomal Dominant, Autosomal Recessive and X-Linked Classification Criteria (2023). Collection method: clinical testing. Allele origin: unknown.
Comment: This variant is considered pathogenic. This variant creates a frameshift predicted to result in premature protein truncation.

Labcorp Genetics (formerly Invitae), Labcorp
Classification: Pathogenic for Hereditary nonpolyposis colorectal neoplasms. Last evaluated: 2022-09-07. Review status: criteria provided, single submitter. Criteria: Invitae Variant Classification Sherloc (09022015). Collection method: clinical testing. Allele origin: germline.
Comment: This sequence change creates a premature translational stop signal (p.His437Glnfs*11) in the MSH6 gene. It is expected to result in an absent or disrupted protein product. Loss-of-function variants in MSH6 are known to be pathogenic (PMID: 18269114, 24362816). For these reasons, this variant has been classified as Pathogenic. ClinVar contains an entry for this variant (Variation ID: 1456088). This variant has not been reported in the literature in individuals affected with MSH6-related conditions. This variant is not present in population databases (gnomAD no frequency).

Literature cited by the submitters: PubMed 18269114 (cited by Labcorp Genetics (formerly Invitae), Labcorp); PubMed 24362816 (cited by Labcorp Genetics (formerly Invitae), Labcorp).

NM_000179.3(MSH6):c.1307_1310dup (p.His437fs)

Gene: MSH6 (mutS homolog 6; plus strand). Cytogenetic location: 2p16.3.
Variant type: Duplication.
Coding change: c.1307_1310dup on transcript NM_000179.3 (MANE Select); coding-DNA positions 1307 to 1310, 4 bases duplicated (ACCA; older notation c.1307_1310dupACCA).
Protein change: p.His437fs; shifts the reading frame from histidine 437.
Molecular consequence: frameshift variant.
Genome position (GRCh38, 1-based): chr2:47,799,290-47,799,293, ACCA duplicated. VCF-style (leftmost placement, unchanged base first): chr2-47799289-T-TACCA. GRCh37 (hg19) VCF-style: chr2-48026428-T-TACCA.
Other names: c.917_920dup, p.His307fs (NM_001281492.2); c.401_404dup, p.His135fs (NM_001281493.2, NM_001281494.2); short protein forms H135fs, H307fs, H437fs.
Identifiers: ClinVar variation 1456088 (VCV001456088.7), dbSNP rs2104335088, ClinGen allele CA2573134916.